The following is an entry in ClinVar:

ClinVar aggregate classification (germline): Uncertain significance. Review status: criteria provided, multiple submitters, no conflicts (2 of 4 stars). 2 submissions from 2 submitters: Uncertain significance (2). Last evaluated 2023-05-10.

Conditions:
Hereditary breast ovarian cancer syndrome. Also called: BRCA1- and BRCA2-Associated Hereditary Breast and Ovarian Cancer; Hereditary breast and ovarian cancer syndrome (HBOC); Hereditary breast and/or ovarian cancer syndrome; Hereditary breast and ovarian cancer syndrome; Hereditary breast and ovarian cancer; Breast and ovarian cancer. Identifiers: Orphanet 145, MedGen C0677776, MeSH D061325, MONDO:0003582. Disease mechanism: loss of function.
Familial cancer of breast. Also called: BREAST CANCER, FAMILIAL; hereditary breast carcinoma; Hereditary breast cancer. Identifiers: Orphanet 227535, MedGen C0346153, MONDO:0016419, OMIM 114480. Disease mechanism: loss of function.

Submissions (2):

Baylor Genetics
Classification: Uncertain significance for Familial cancer of breast. Last evaluated: 2023-05-10. Review status: criteria provided, single submitter. Criteria: ACMG Guidelines, 2015. Collection method: clinical testing. Allele origin: unknown.

Labcorp Genetics (formerly Invitae), Labcorp
Classification: Uncertain significance for Hereditary breast ovarian cancer syndrome. Last evaluated: 2022-09-29. Review status: criteria provided, single submitter. Criteria: Invitae Variant Classification Sherloc (09022015). Collection method: clinical testing. Allele origin: germline.
Comment: This sequence change replaces isoleucine, which is neutral and non-polar, with leucine, which is neutral and non-polar, at codon 80 of the BRCA2 protein (p.Ile80Leu). This variant is not present in population databases (gnomAD no frequency). In summary, the available evidence is currently insufficient to determine the role of this variant in disease. Therefore, it has been classified as a Variant of Uncertain Significance. Advanced modeling of protein sequence and biophysical properties (such as structural, functional, and spatial information, amino acid conservation, physicochemical variation, residue mobility, and thermodynamic stability) performed at Invitae indicates that this missense variant is not expected to disrupt BRCA2 protein function. This variant has not been reported in the literature in individuals affected with BRCA2-related conditions.

NM_000059.4(BRCA2):c.238A>C (p.Ile80Leu)

Gene: BRCA2 (BRCA2 DNA repair associated; plus strand). Cytogenetic location: 13q13.1.
Variant type: single nucleotide variant.
Coding change: c.238A>C on transcript NM_000059.4 (MANE Select); coding-DNA position 238, A replaced by C.
Protein change: p.Ile80Leu; replaces isoleucine 80 with leucine.
Molecular consequence: missense variant.
Genome position (GRCh38, 1-based): chr13:32,319,247, A>C. VCF-style: chr13-32319247-A-C. GRCh37 (hg19) VCF-style: chr13-32893384-A-C.
Other names: c.238A>C, p.Ile80Leu (NM_001406719.1, NM_001406720.1, NM_001406721.1); c.-132A>C (NM_001406722.1); short protein forms I80L.
Identifiers: ClinVar variation 1720651 (VCV001720651.7), dbSNP rs876660626, ClinGen allele CA387754515.